The following is an entry in ClinVar:

ClinVar aggregate classification (germline): Pathogenic (1 of 4 stars; one submission).

Submission:

Labcorp Genetics (formerly Invitae), Labcorp
Classification: Pathogenic. Last evaluated: 2022-08-12. Review status: criteria provided, single submitter. Criteria: Invitae Variant Classification Sherloc (09022015). Collection method: clinical testing. Allele origin: germline.
Comment: This sequence change creates a premature translational stop signal (p.Gln123Cysfs*28) in the CYP19A1 gene. It is expected to result in an absent or disrupted protein product. Loss-of-function variants in CYP19A1 are known to be pathogenic (PMID: 14602738, 27086564, 27256151). This variant is not present in population databases (gnomAD no frequency). This variant has not been reported in the literature in individuals affected with CYP19A1-related conditions. For these reasons, this variant has been classified as Pathogenic.

Literature cited by the submitters: PubMed 14602738; PubMed 27086564; PubMed 27256151.

NM_000103.4(CYP19A1):c.365_366dup (p.Gln123fs)

Genes: CYP19A1 (cytochrome P450 family 19 subfamily A member 1; minus strand), MIR4713HG (MIR4713 host gene; plus strand), PIRC66 (piwi-interacting RNA cluster 66; plus strand). Cytogenetic location: 15q21.2.
Variant type: Duplication.
Coding change: c.365_366dup on transcript NM_000103.4 (MANE Select); coding-DNA positions 365 to 366, 2 bases duplicated (TG; older notation c.365_366dupTG).
Protein change: p.Gln123fs; shifts the reading frame from glutamine 123.
Molecular consequence: frameshift variant.
Genome position (GRCh38, 1-based): chr15:51,227,864-51,227,865, CA duplicated on the plus strand (TG on the coding strand, the reverse complement: CYP19A1 is on the minus strand). VCF-style (leftmost placement, unchanged base first): chr15-51227863-G-GCA. GRCh37 (hg19) VCF-style: chr15-51520060-G-GCA.
Other names: c.365_366dup, p.Gln123fs (NM_001347248.1, NM_001347249.2, NM_001347250.2 and 7 more transcripts); short protein forms Q123fs.
Identifiers: ClinVar variation 2023603 (VCV002023603.4), dbSNP rs2542438998, ClinGen allele CA2580089742.
Genomic context (GRCh38, chr15:51,227,863, plus strand): 5'-TTTTCCAGAGCTCTGGATTGTTGTTAAATATGATGCCTTTCTCATGCATACCGATGCACT[G>GCA]CAGCCCAAGTTTGCTGCCGAATCGAGAGCTGTAATGATTGTGCTTCATTATGTGGAACAT-3'